The following is an entry in ClinVar:

ClinVar aggregate classification (germline): Uncertain significance (1 of 4 stars; one submission).

Allele frequency attached by ClinVar (database versions not stated): gnomAD exomes 0.00001; ExAC 0.00002; TOPMed 0.00002; gnomAD 0.00003 and 0.00004.
gnomAD v4.1: 20 of 1,609,326 alleles (0.0012%); highest among the groups gnomAD compares: Admixed American, 0.0017%; no homozygotes.

Submission:

GeneDx
Classification: Uncertain significance. Last evaluated: 2019-03-18. Review status: criteria provided, single submitter. Criteria: GeneDx Variant Classification Process June 2021. Collection method: clinical testing. Allele origin: germline. Affected: yes.
Comment: Not observed at a significant frequency in large population cohorts (Lek et al., 2016); In silico analysis, which includes splice predictors and evolutionary conservation, supports that this variant does not alter protein structure/function; Has not been previously published as pathogenic or benign to our knowledge

NM_001377265.1(MAPT):c.898G>A (p.Asp300Asn)

Gene: MAPT (microtubule associated protein tau). Cytogenetic location: 17q21.31.
Variant type: single nucleotide variant.
Coding change: c.898G>A on transcript NM_001377265.1 (MANE Select); coding-DNA position 898, G replaced by A.
Protein change: p.Asp300Asn; replaces aspartic acid 300 with asparagine.
Molecular consequence: missense variant. On other transcripts: intron variant (8).
Genome position (GRCh38, 1-based): chr17:45,983,477, G>A. VCF-style: chr17-45983477-G-A. GRCh37 (hg19) VCF-style: chr17-44060843-G-A.
Other names: c.673G>A, p.Asp225Asn (NM_001123066.4, NM_016835.5); c.898G>A, p.Asp300Asn (NM_001377266.1); c.200-3563G>A (NM_001377268.1, NM_016834.5, NM_016841.5); c.374-3563G>A (NM_005910.6, NM_001203252.2); c.287-3563G>A (NM_001123067.4, NM_001203251.2, NM_001377267.1); short protein forms D225N, D300N.
Identifiers: ClinVar variation 1308215 (VCV001308215.2), dbSNP rs779635238, ClinGen allele CA8617725.